The following is an entry in ClinVar:

ClinVar aggregate classification (germline): Uncertain significance. Review status: criteria provided, multiple submitters, no conflicts (2 of 4 stars). 2 submissions from 2 submitters: Uncertain significance (2). Last evaluated 2021-09-05.

Conditions:
Timothy syndrome (TS). Also called: LONG QT SYNDROME WITH SYNDACTYLY. Identifiers: Orphanet 65283, MedGen C1832916, MeSH C536962, MONDO:0010979, OMIM 601005.
Long QT syndrome (LQTS). Identifiers: MedGen C0023976, MeSH D008133, MONDO:0002442. Disease mechanism: loss of function. Inheritance: Various modes of inheritance.

Submissions (2):

Labcorp Genetics (formerly Invitae), Labcorp
Classification: Uncertain significance for Long QT syndrome. Last evaluated: 2021-09-05. Review status: criteria provided, single submitter. Criteria: Invitae Variant Classification Sherloc (09022015). Collection method: clinical testing. Allele origin: germline.
Comment: In summary, the available evidence is currently insufficient to determine the role of this variant in disease. Therefore, it has been classified as a Variant of Uncertain Significance. Experimental studies and prediction algorithms are not available or were not evaluated, and the functional significance of this variant is currently unknown. This variant has not been reported in the literature in individuals affected with CACNA1C-related conditions. This variant is not present in population databases (ExAC no frequency). This variant, c.5488_5490del, results in the deletion of 1 amino acid(s) of the CACNA1C protein (p.Glu1830del), but otherwise preserves the integrity of the reading frame.

MVZ Martinsried, Medicover Genetics
Classification: Uncertain significance for Timothy syndrome. Last evaluated: 2019-04-17. Review status: criteria provided, single submitter. Criteria: ACMG Guidelines, 2015. Collection method: clinical testing. Allele origin: unknown. Affected: yes.

NM_000719.7(CACNA1C):c.5485GAG[1] (p.Glu1830del)

Genes: CACNA1C (calcium voltage-gated channel subunit alpha1 C; plus strand), CACNA1C-AS1 (CACNA1C antisense RNA 1; minus strand). Cytogenetic location: 12p13.33.
Variant type: Microsatellite.
Coding change: c.5485GAG[1] on transcript NM_000719.7 (MANE Select); one copy of the 3-base unit GAG starting at c.5485; the reference has two copies in a row; one copy, 3 bases deleted; also written c.5488_5490del.
Protein change: p.Glu1830del; deletes glutamic acid 1830.
Molecular consequence: inframe deletion.
Genome position (GRCh38, 1-based): chr12:2,682,593-2,682,595, GAG deleted; deleting any 3 consecutive bases within chr12:2,682,588-2,682,595 gives the same sequence; the position shown is the placement nearest the transcript's 3' end. VCF-style (leftmost placement, unchanged base first): chr12-2682587-CAGG-C. GRCh37 (hg19) VCF-style: chr12-2791753-CAGG-C.
Other names: c.5488_5490del (NM_000719.6); c.5629GAG[1], p.Glu1878del (NM_001129827.2); c.5608GAG[1], p.Glu1871del (NM_001129829.2); c.5590GAG[1], p.Glu1865del (NM_001129830.3, NM_001167624.3); c.5569GAG[1], p.Glu1858del (NM_001129831.2); c.5545GAG[1], p.Glu1850del (NM_001129832.2); c.5542GAG[1], p.Glu1849del (NM_001129833.2, NM_001129834.2, NM_001129835.2); c.5536GAG[1], p.Glu1847del (NM_001129836.2); and 7 more; short protein forms E1827del, E1830del, E1858del, E1878del, E1819del, E1847del, E1849del, E1913del.
Identifiers: ClinVar variation 692251 (VCV000692251.9), dbSNP rs1603457578, ClinGen allele CA645570899.